The following is an entry in ClinVar:

ClinVar aggregate classification (germline): Likely benign. Review status: criteria provided, multiple submitters, no conflicts (2 of 4 stars). 3 submissions from 3 submitters: Likely benign (3). Last evaluated 2026-09-01.

Conditions:
Inborn genetic diseases. Identifiers: MedGen C0950123, MeSH D030342.

Allele frequency attached by ClinVar (database versions not stated): TOPMed 0.00005; ExAC 0.00007; gnomAD 0.00007; gnomAD exomes 0.00009; 1000 Genomes Project 30x 0.00021.

Submissions (3):

CeGaT Center for Human Genetics Tuebingen
Classification: Likely benign. Last evaluated: 2026-09-01. Review status: criteria provided, single submitter. Criteria: CeGaT Center For Human Genetics Tuebingen Variant Classification Criteria Version 2. Collection method: clinical testing. Allele origin: germline. Affected: yes. Observed: 2 variant alleles.
Comment: ARR3: BP4, BS2

Blueprint Genetics
Classification: Likely benign. Last evaluated: 2024-04-25. Review status: criteria provided, single submitter. Criteria: ACMG Guidelines, 2015. Collection method: clinical testing. Allele origin: germline.

Ambry Genetics
Classification: Likely benign for Inborn genetic diseases. Last evaluated: 2024-01-02. Review status: criteria provided, single submitter. Criteria: Ambry Variant Classification Scheme 2023. Collection method: clinical testing. Allele origin: germline.

NM_004312.3(ARR3):c.845G>A (p.Arg282Gln)

Gene: ARR3 (arrestin 3; plus strand). Cytogenetic location: Xq13.1.
Variant type: single nucleotide variant.
Coding change: c.845G>A on transcript NM_004312.3 (MANE Select); coding-DNA position 845, G replaced by A.
Protein change: p.Arg282Gln; replaces arginine 282 with glutamine.
Molecular consequence: missense variant.
Genome position (GRCh38, 1-based): chrX:70,278,581, G>A. VCF-style: chrX-70278581-G-A. GRCh37 (hg19) VCF-style: chrX-69498431-G-A.
Other names: short protein forms R282Q.
Identifiers: ClinVar variation 3129834 (VCV003129834.19), dbSNP rs773461552, ClinGen allele CA10440491.